The following is an entry in ClinVar:

NM_206933.4(USH2A):c.14680G>A (p.Ala4894Thr)

Gene: USH2A (usherin; minus strand). Cytogenetic location: 1q41.
Variant type: single nucleotide variant.
Coding change: c.14680G>A on transcript NM_206933.4 (MANE Select); coding-DNA position 14680, G replaced by A.
Protein change: p.Ala4894Thr; replaces alanine 4894 with threonine.
Molecular consequence: missense variant.
Genome position (GRCh38, 1-based): chr1:215,647,633, C>T on the plus strand (G>A on the coding strand, the complement: USH2A is on the minus strand). VCF-style: chr1-215647633-C-T. GRCh37 (hg19) VCF-style: chr1-215820975-C-T.
Other names: short protein forms A4894T.
Identifiers: ClinVar variation 950722 (VCV000950722.8), dbSNP rs369778428, ClinGen allele CA1392953.

ClinVar aggregate classification (germline): Uncertain significance. Review status: criteria provided, multiple submitters, no conflicts (2 of 4 stars). 4 submissions from 4 submitters: Uncertain significance (3). 1 of the submissions does not count toward it. Last evaluated 2024-07-03.

Conditions:
Usher syndrome type 2A. Also called: RETINAL DISEASE IN USHER SYNDROME TYPE IIA, MODIFIER OF; USHER SYNDROME, TYPE IIA. Identifiers: Orphanet 231178, Orphanet 886, MedGen C1848634, MONDO:0010169, OMIM 276901.

Allele frequency attached by ClinVar (database versions not stated): ExAC 0.00001; gnomAD exomes 0.00001 and 0.00002; gnomAD 0.00011; TOPMed 0.00013; ESP Exome Variant Server 0.00015.
gnomAD v4.1: 38 of 1,614,042 alleles (0.0024%); highest among the groups gnomAD compares: African/African-American, 0.047%; no homozygotes.

Submissions (4):

Labcorp Genetics (formerly Invitae), Labcorp
Classification: Uncertain significance. Last evaluated: 2024-07-03. Review status: criteria provided, single submitter. Criteria: Invitae Variant Classification Sherloc (09022015). Collection method: clinical testing. Allele origin: germline.
Comment: This sequence change replaces alanine, which is neutral and non-polar, with threonine, which is neutral and polar, at codon 4894 of the USH2A protein (p.Ala4894Thr). This variant is present in population databases (rs369778428, gnomAD 0.02%). This variant has not been reported in the literature in individuals affected with USH2A-related conditions. ClinVar contains an entry for this variant (Variation ID: 950722). Advanced modeling of protein sequence and biophysical properties (such as structural, functional, and spatial information, amino acid conservation, physicochemical variation, residue mobility, and thermodynamic stability) performed at Invitae indicates that this missense variant is not expected to disrupt USH2A protein function with a negative predictive value of 95%. In summary, the available evidence is currently insufficient to determine the role of this variant in disease. Therefore, it has been classified as a Variant of Uncertain Significance.

Women's Health and Genetics/Laboratory Corporation of America, LabCorp
Classification: Uncertain significance. Last evaluated: 2024-03-06. Review status: criteria provided, single submitter. Criteria: LabCorp Variant Classification Summary - May 2015. Collection method: clinical testing. Allele origin: germline.
Comment: Variant summary: USH2A c.14680G>A (p.Ala4894Thr) results in a non-conservative amino acid change located in the Fibronectin type III (IPR003961) of the encoded protein sequence. Four of five in-silico tools predict a benign effect of the variant on protein function. The variant allele was found at a frequency of 2e-05 in 251350 control chromosomes. The available data on variant occurrences in the general population are insufficient to allow any conclusion about variant significance. To our knowledge, no occurrence of c.14680G>A in individuals affected with Usher Syndrome and no experimental evidence demonstrating its impact on protein function have been reported. ClinVar contains an entry for this variant (Variation ID: 950722). Based on the evidence outlined above, the variant was classified as uncertain significance.

Blueprint Genetics
Classification: Uncertain significance. Last evaluated: 2024-02-12. Review status: criteria provided, single submitter. Criteria: ACMG Guidelines, 2015. Collection method: clinical testing. Allele origin: germline.

Natera, Inc.
Classification: Uncertain significance for Usher syndrome type 2A. Last evaluated: 2020-01-17. Review status: no assertion criteria provided. Collection method: clinical testing. Allele origin: germline. Not counted in ClinVar's aggregate classification.